The following is an entry in ClinVar:

ClinVar aggregate classification (germline): Uncertain significance. Review status: criteria provided, multiple submitters, no conflicts (2 of 4 stars). 2 submissions from 2 submitters: Uncertain significance (2). Last evaluated 2025-04-22.

Allele frequency attached by ClinVar (database versions not stated): gnomAD exomes 0.00001; gnomAD 0.00003; TOPMed 0.00009; 1000 Genomes Project 30x 0.00016; 1000 Genomes Project 0.00020.
gnomAD v4.1: 18 of 1,551,032 alleles (0.0012%); highest among the groups gnomAD compares: Admixed American, 0.018%; no homozygotes.

Submissions (2):

Labcorp Genetics (formerly Invitae), Labcorp
Classification: Uncertain significance. Last evaluated: 2025-04-22. Review status: criteria provided, single submitter. Criteria: Invitae Variant Classification Sherloc (09022015). Collection method: clinical testing. Allele origin: germline.
Comment: This sequence change replaces serine, which is neutral and polar, with threonine, which is neutral and polar, at codon 19 of the REPS1 protein (p.Ser19Thr). This variant is present in population databases (rs182852984, gnomAD 0.01%). This variant has not been reported in the literature in individuals affected with REPS1-related conditions. ClinVar contains an entry for this variant (Variation ID: 2518732). Invitae Evidence Modeling of protein sequence and biophysical properties (such as structural, functional, and spatial information, amino acid conservation, physicochemical variation, residue mobility, and thermodynamic stability) indicates that this missense variant is not expected to disrupt REPS1 protein function with a negative predictive value of 80%. In summary, the available evidence is currently insufficient to determine the role of this variant in disease. Therefore, it has been classified as a Variant of Uncertain Significance.

Ambry Genetics
Classification: Uncertain significance. Last evaluated: 2023-04-26. Review status: criteria provided, single submitter. Criteria: Ambry Variant Classification Scheme 2023. Collection method: clinical testing. Allele origin: germline.

NM_001286611.2(REPS1):c.55T>A (p.Ser19Thr)

Gene: REPS1 (RALBP1 associated Eps domain containing 1; minus strand). Cytogenetic location: 6q24.1.
Variant type: single nucleotide variant.
Coding change: c.55T>A on transcript NM_001286611.2 (MANE Select); coding-DNA position 55, T replaced by A.
Protein change: p.Ser19Thr; replaces serine 19 with threonine.
Molecular consequence: missense variant.
Genome position (GRCh38, 1-based): chr6:138,987,628, A>T on the plus strand (T>A on the coding strand, the complement: REPS1 is on the minus strand). VCF-style: chr6-138987628-A-T. GRCh37 (hg19) VCF-style: chr6-139308765-A-T.
Other names: c.55T>A, p.Ser19Thr (NM_001128617.3, NM_001286612.2, NM_031922.5); short protein forms S19T.
Identifiers: ClinVar variation 2518732 (VCV002518732.3), dbSNP rs182852984, ClinGen allele CA148785182.
Genomic context (GRCh38, chr6:138,987,628, plus strand): 5'-ACAGCTCCAGCACCCGCCCGTTGACCACCACCTTCTTGGTGCTCTCAATGTCGCAGTAGG[A>T]GAAGAGATCTGAATAGTATTTCTGCTCCGCATCGCTCAGCGTTAAGCCTTCCATCTTCGC-3'
Protein context (NP_001273540.1, residues 9-29): AEQKYYSDLF[Ser19Thr]YCDIESTKKV